The following is an entry in ClinVar:

ClinVar aggregate classification (germline): Uncertain significance. Review status: criteria provided, multiple submitters, no conflicts (2 of 4 stars). 3 submissions from 3 submitters: Uncertain significance (3). Last evaluated 2024-11-04.

Conditions:
Hennekam lymphangiectasia-lymphedema syndrome 1 (HKLLS1). Also called: LYMPHATIC DYSPLASIA, GENERALIZED. Identifiers: Orphanet 2136, MedGen C4012050, MONDO:0009337, OMIM 235510.
Inborn genetic diseases. Identifiers: MedGen C0950123, MeSH D030342.

Allele frequency attached by ClinVar (database versions not stated): TOPMed 0.00002; ExAC 0.00003; gnomAD 0.00003; gnomAD exomes 0.00004.
gnomAD v4.1: 76 of 1,614,082 alleles (0.0047%); highest among the groups gnomAD compares: Middle Eastern, 0.016%; no homozygotes.

Submissions (3):

Labcorp Genetics (formerly Invitae), Labcorp
Classification: Uncertain significance. Last evaluated: 2024-11-04. Review status: criteria provided, single submitter. Criteria: Invitae Variant Classification Sherloc (09022015). Collection method: clinical testing. Allele origin: germline.
Comment: This sequence change replaces arginine, which is basic and polar, with cysteine, which is neutral and slightly polar, at codon 346 of the CCBE1 protein (p.Arg346Cys). This variant is present in population databases (rs761881641, gnomAD 0.01%). This variant has not been reported in the literature in individuals affected with CCBE1-related conditions. ClinVar contains an entry for this variant (Variation ID: 888599). Invitae Evidence Modeling of protein sequence and biophysical properties (such as structural, functional, and spatial information, amino acid conservation, physicochemical variation, residue mobility, and thermodynamic stability) indicates that this missense variant is expected to disrupt CCBE1 protein function with a positive predictive value of 80%. In summary, the available evidence is currently insufficient to determine the role of this variant in disease. Therefore, it has been classified as a Variant of Uncertain Significance.

Ambry Genetics
Classification: Uncertain significance for Inborn genetic diseases. Last evaluated: 2023-09-13. Review status: criteria provided, single submitter. Criteria: Ambry Variant Classification Scheme 2023. Collection method: clinical testing. Allele origin: germline.

Illumina Laboratory Services, Illumina
Classification: Uncertain significance for Hennekam lymphangiectasia-lymphedema syndrome 1. Last evaluated: 2018-01-12. Review status: criteria provided, single submitter. Criteria: ICSL Variant Classification Criteria 13 December 2019. Collection method: clinical testing. Allele origin: germline.

NM_133459.4(CCBE1):c.1036C>T (p.Arg346Cys)

Gene: CCBE1 (collagen and calcium binding EGF domains 1; minus strand). Cytogenetic location: 18q21.32.
Variant type: single nucleotide variant.
Coding change: c.1036C>T on transcript NM_133459.4 (MANE Select); coding-DNA position 1036, C replaced by T.
Protein change: p.Arg346Cys; replaces arginine 346 with cysteine.
Molecular consequence: missense variant.
Genome position (GRCh38, 1-based): chr18:59,436,093, G>A on the plus strand (C>T on the coding strand, the complement: CCBE1 is on the minus strand). VCF-style: chr18-59436093-G-A. GRCh37 (hg19) VCF-style: chr18-57103325-G-A.
Other names: short protein forms R346C.
Identifiers: ClinVar variation 888599 (VCV000888599.12), dbSNP rs761881641, ClinGen allele CA8980196.